The following is an entry in ClinVar:

ClinVar aggregate classification (germline): Conflicting classifications of pathogenicity. Review status: criteria provided, conflicting classifications (1 of 4 stars). 2 submissions from 2 submitters: Uncertain significance (1); Likely benign (1). Last evaluated 2024-06-18.

Conditions:
Cholestanol storage disease (CTX). Also called: Cerebrotendinous Xanthomatosis; CTX: Cerebrotendinous xanthomatosis; CEREBRAL CHOLESTERINOSIS. Identifiers: Orphanet 909, MedGen C0238052, MONDO:0008948, OMIM 213700.
Cardiovascular phenotype. Identifiers: MedGen CN230736.

Allele frequency attached by ClinVar (database versions not stated): ExAC 0.00002; gnomAD 0.00002.
gnomAD v4.1: 10 of 1,614,134 alleles (0.00062%); highest among the groups gnomAD compares: Admixed American, 0.0017%; no homozygotes.

Submissions (2):

Ambry Genetics
Classification: Likely benign for Cardiovascular phenotype. Last evaluated: 2024-06-18. Review status: criteria provided, single submitter. Criteria: Ambry Variant Classification Scheme 2023. Collection method: clinical testing. Allele origin: germline.

Labcorp Genetics (formerly Invitae), Labcorp
Classification: Uncertain significance for Cholestanol storage disease. Last evaluated: 2022-08-20. Review status: criteria provided, single submitter. Criteria: Invitae Variant Classification Sherloc (09022015). Collection method: clinical testing. Allele origin: germline.
Comment: This sequence change replaces proline, which is neutral and non-polar, with leucine, which is neutral and non-polar, at codon 458 of the CYP27A1 protein (p.Pro458Leu). This variant is present in population databases (rs781360671, gnomAD 0.006%). This variant has not been reported in the literature in individuals affected with CYP27A1-related conditions. ClinVar contains an entry for this variant (Variation ID: 1410616). Advanced modeling of protein sequence and biophysical properties (such as structural, functional, and spatial information, amino acid conservation, physicochemical variation, residue mobility, and thermodynamic stability) performed at Invitae indicates that this missense variant is not expected to disrupt CYP27A1 protein function. In summary, the available evidence is currently insufficient to determine the role of this variant in disease. Therefore, it has been classified as a Variant of Uncertain Significance.

NM_000784.4(CYP27A1):c.1373C>T (p.Pro458Leu)

Gene: CYP27A1 (cytochrome P450 family 27 subfamily A member 1; plus strand). Cytogenetic location: 2q35.
Variant type: single nucleotide variant.
Coding change: c.1373C>T on transcript NM_000784.4 (MANE Select); coding-DNA position 1373, C replaced by T.
Protein change: p.Pro458Leu; replaces proline 458 with leucine.
Molecular consequence: missense variant.
Genome position (GRCh38, 1-based): chr2:218,814,654, C>T. VCF-style: chr2-218814654-C-T. GRCh37 (hg19) VCF-style: chr2-219679377-C-T.
Other names: c.1373C>T (NM_000784.3); short protein forms P458L.
Identifiers: ClinVar variation 1410616 (VCV001410616.6), dbSNP rs781360671, ClinGen allele CA2112881.